The following is an entry in ClinVar:

NM_003705.5(SLC25A12):c.1417C>T (p.Arg473Trp)

Gene: SLC25A12 (solute carrier family 25 member 12; minus strand). Cytogenetic location: 2q31.1.
Variant type: single nucleotide variant.
Coding change: c.1417C>T on transcript NM_003705.5 (MANE Select); coding-DNA position 1417, C replaced by T.
Protein change: p.Arg473Trp; replaces arginine 473 with tryptophan.
Molecular consequence: missense variant. On other transcripts: non-coding transcript variant (1).
Genome position (GRCh38, 1-based): chr2:171,793,656, G>A on the plus strand (C>T on the coding strand, the complement: SLC25A12 is on the minus strand). VCF-style: chr2-171793656-G-A. GRCh37 (hg19) VCF-style: chr2-172650166-G-A.
Other names: short protein forms R473W.
Identifiers: ClinVar variation 100846 (VCV000100846.5), dbSNP rs483352725, ClinGen allele CA229117.

ClinVar aggregate classification (germline): Uncertain significance. Review status: criteria provided, single submitter (1 of 4 stars). 3 submissions from 2 submitters: Uncertain significance (1). 2 of the submissions do not count toward it. Last evaluated 2024-09-27.

Allele frequency attached by ClinVar (database versions not stated): TOPMed below 0.00001; ExAC 0.00001; gnomAD 0.00001; gnomAD exomes 0.00001.
gnomAD v4.1: 12 of 1,613,908 alleles (0.00074%); highest among the groups gnomAD compares: African/African-American, 0.0027%; no homozygotes.

Submissions (3):

Labcorp Genetics (formerly Invitae), Labcorp
Classification: Uncertain significance. Last evaluated: 2024-09-27. Review status: criteria provided, single submitter. Criteria: Invitae Variant Classification Sherloc (09022015). Collection method: clinical testing. Allele origin: germline.
Comment: This sequence change replaces arginine, which is basic and polar, with tryptophan, which is neutral and slightly polar, at codon 473 of the SLC25A12 protein (p.Arg473Trp). This variant is present in population databases (rs483352725, gnomAD 0.004%). This variant has not been reported in the literature in individuals affected with SLC25A12-related conditions. ClinVar contains an entry for this variant (Variation ID: 100846). Invitae Evidence Modeling of protein sequence and biophysical properties (such as structural, functional, and spatial information, amino acid conservation, physicochemical variation, residue mobility, and thermodynamic stability) indicates that this missense variant is expected to disrupt SLC25A12 protein function with a positive predictive value of 80%. In summary, the available evidence is currently insufficient to determine the role of this variant in disease. Therefore, it has been classified as a Variant of Uncertain Significance.

Richard Lifton Laboratory, Yale University School of Medicine
Classification: Uncertain significance. Review status: no assertion criteria provided. Collection method: not provided. Allele origin: somatic. Not counted in ClinVar's aggregate classification.
Comment: SLC25A12:p.R473W
ClinVar note: Converted during submission from unknown to Uncertain significance.

Richard Lifton Laboratory, Yale University School of Medicine
Classification: Uncertain significance. Review status: flagged submission. Collection method: not provided. Allele origin: somatic. Not counted in ClinVar's aggregate classification.
ClinVar note: Converted during submission from unknown to Uncertain significance.
ClinVar note: Reason: This record appears to be redundant with a more recent record from the same submitter.
ClinVar note: Notes: SCV000120070 appears to be redundant with SCV000155174.